The following is an entry in ClinVar:

ClinVar aggregate classification (germline): Likely pathogenic (1 of 4 stars; one submission).

Allele frequency attached by ClinVar (database versions not stated): gnomAD exomes below 0.00001; ExAC 0.00001.
gnomAD v4.1: 2 of 1,604,798 alleles (0.00012%); highest among the groups gnomAD compares: East Asian, 0.0022%; no homozygotes.

Submission:

Labcorp Genetics (formerly Invitae), Labcorp
Classification: Likely pathogenic. Last evaluated: 2021-09-24. Review status: criteria provided, single submitter. Criteria: Invitae Variant Classification Sherloc (09022015). Collection method: clinical testing. Allele origin: germline.
Comment: This sequence change affects a donor splice site in intron 18 of the SLC12A3 gene. It is expected to disrupt RNA splicing. Variants that disrupt the donor or acceptor splice site typically lead to a loss of protein function (PMID: 16199547), and loss-of-function variants in SLC12A3 are known to be pathogenic (PMID: 20848653, 22009145, 25841442). This variant is present in population databases (rs764220175, ExAC 0.01%). Disruption of this splice site has been observed in individual(s) with Gitelman syndrome (PMID: 21415153). Algorithms developed to predict the effect of sequence changes on RNA splicing suggest that this variant may disrupt the consensus splice site. In summary, the currently available evidence indicates that the variant is pathogenic, but additional data are needed to prove that conclusively. Therefore, this variant has been classified as Likely Pathogenic.

Literature cited by the submitters: PubMed 16199547; PubMed 20848653; PubMed 22009145; PubMed 25841442; PubMed 21415153.

NM_001126108.2(SLC12A3):c.2285+2T>C

Gene: SLC12A3 (solute carrier family 12 member 3; plus strand). Cytogenetic location: 16q13.
Variant type: single nucleotide variant.
Coding change: c.2285+2T>C on transcript NM_001126108.2 (MANE Select); the canonical splice donor site of the intron after coding-DNA position 2285, T replaced by C.
Molecular consequence: splice donor variant.
Genome position (GRCh38, 1-based): chr16:56,888,033, T>C. VCF-style: chr16-56888033-T-C. GRCh37 (hg19) VCF-style: chr16-56921945-T-C.
Other names: c.2285+2T>C (NM_000339.3); c.2282+2T>C (NM_001126107.2, NM_001410896.1).
Identifiers: ClinVar variation 643133 (VCV000643133.8), dbSNP rs764220175, ClinGen allele CA8069806.